The following is an entry in ClinVar:

NM_005488.3(TOM1):c.118A>G (p.Ile40Val)

Gene: TOM1 (target of myb1 membrane trafficking protein; plus strand). Cytogenetic location: 22q12.3.
Variant type: single nucleotide variant.
Coding change: c.118A>G on transcript NM_005488.3 (MANE Select); coding-DNA position 118, A replaced by G.
Protein change: p.Ile40Val; replaces isoleucine 40 with valine.
Molecular consequence: missense variant. On other transcripts: non-coding transcript variant (3).
Genome position (GRCh38, 1-based): chr22:35,317,942, A>G. VCF-style: chr22-35317942-A-G. GRCh37 (hg19) VCF-style: chr22-35713935-A-G.
Other names: c.19A>G, p.Ile7Val (NM_001135729.2); c.118A>G, p.Ile40Val (NM_001135730.2, NM_001135732.2); short protein forms I40V, I7V.
Identifiers: ClinVar variation 3181101 (VCV003181101.2), dbSNP rs768517941, ClinGen allele CA10203945.

ClinVar aggregate classification (germline): Uncertain significance. Review status: criteria provided, multiple submitters, no conflicts (2 of 4 stars). 2 submissions from 2 submitters: Uncertain significance (2). Last evaluated 2024-02-09.

Conditions:
Immunodeficiency 85 and autoimmunity. Identifiers: MedGen C5561976, MONDO:0030428, OMIM 619510.

Allele frequency attached by ClinVar (database versions not stated): gnomAD exomes 0.00001; TOPMed 0.00001; gnomAD 0.00001; ExAC 0.00001.
gnomAD v4.1: 6 of 1,613,964 alleles (0.00037%); highest among the groups gnomAD compares: Admixed American, 0.0017%; no homozygotes.

Submissions (2):

Laboratorio de Genetica e Diagnostico Molecular, Hospital Israelita Albert Einstein
Classification: Uncertain significance for Immunodeficiency 85 and autoimmunity. Last evaluated: 2024-02-09. Review status: criteria provided, single submitter. Criteria: ACMG Guidelines, 2015. Collection method: clinical testing. Allele origin: germline. Affected: yes.
Comment: ACMG classification criteria: PM2 supporting, BP4 supporting

Ambry Genetics
Classification: Uncertain significance. Last evaluated: 2022-04-13. Review status: criteria provided, single submitter. Criteria: Ambry Variant Classification Scheme 2023. Collection method: clinical testing. Allele origin: germline.